The following is an entry in ClinVar:

NM_000432.4(MYL2):c.419C>A (p.Ala140Asp)

Gene: MYL2 (myosin light chain 2; minus strand). Cytogenetic location: 12q24.11.
Variant type: single nucleotide variant.
Coding change: c.419C>A on transcript NM_000432.4 (MANE Select); coding-DNA position 419, C replaced by A.
Protein change: p.Ala140Asp; replaces alanine 140 with aspartic acid.
Molecular consequence: missense variant.
Genome position (GRCh38, 1-based): chr12:110,911,159, G>T on the plus strand (C>A on the coding strand, the complement: MYL2 is on the minus strand). VCF-style: chr12-110911159-G-T. GRCh37 (hg19) VCF-style: chr12-111348963-G-T.
Other names: c.377C>A, p.Ala126Asp (NM_001406745.1, NM_001406746.1); c.362C>A, p.Ala121Asp (NM_001406916.1); short protein forms A121D, A126D, A140D.
Identifiers: ClinVar variation 3072282 (VCV003072282.2), dbSNP rs1421677669, ClinGen allele CA386696991.

ClinVar aggregate classification (germline): Uncertain significance. Review status: criteria provided, multiple submitters, no conflicts (2 of 4 stars). 2 submissions from 2 submitters: Uncertain significance (2). Last evaluated 2026-03-27.

Conditions:
Hypertrophic cardiomyopathy. Also called: HYPERTROPHIC MYOCARDIOPATHY. Identifiers: Orphanet 217569, MedGen C0007194, MeSH D002312, MONDO:0005045, HP:0001639.
Cardiovascular phenotype. Identifiers: MedGen CN230736.

gnomAD v4.1: 1 of 1,608,914 alleles (0.000062%); highest among the groups gnomAD compares: Non-Finnish European, 0.000085%; no homozygotes.

Submissions (2):

Molecular Diagnostic Laboratory for Inherited Cardiovascular Disease, Montreal Heart Institute
Classification: Uncertain significance for Cardiovascular phenotype. Last evaluated: 2026-03-27. Review status: criteria provided, single submitter. Criteria: ACMG Guidelines, 2015. Collection method: clinical testing. Allele origin: germline. Affected: yes.
Comment: PM2

All of Us Research Program, National Institutes of Health
Classification: Uncertain significance for Hypertrophic cardiomyopathy. Last evaluated: 2023-12-01. Review status: criteria provided, single submitter. Criteria: ACMG Guidelines, 2015. Collection method: clinical testing. Allele origin: germline. Inheritance: Autosomal dominant inheritance. Observed: 2 variant alleles, 2 heterozygotes.
Comment: This study involves interpretation of variants in research participants for the purpose of population health screening. Participant phenotype was not available at the time of variant classification. Additional details can be found in publication PMID: 35346344, PMCID: PMC8962531